The following is an entry in ClinVar:

NM_000271.5(NPC1):c.1369T>C (p.Tyr457His)

Gene: NPC1 (NPC intracellular cholesterol transporter 1; minus strand). Cytogenetic location: 18q11.2.
Variant type: single nucleotide variant.
Coding change: c.1369T>C on transcript NM_000271.5 (MANE Select); coding-DNA position 1369, T replaced by C.
Protein change: p.Tyr457His; replaces tyrosine 457 with histidine.
Molecular consequence: missense variant.
Genome position (GRCh38, 1-based): chr18:23,554,942, A>G on the plus strand (T>C on the coding strand, the complement: NPC1 is on the minus strand). VCF-style: chr18-23554942-A-G. GRCh37 (hg19) VCF-style: chr18-21134906-A-G.
Other names: short protein forms Y457H.
Identifiers: ClinVar variation 4990908 (VCV004990908.1).
Genomic context (GRCh38, chr18:23,554,942, plus strand): 5'-TGTTATACGGTGAAAGAGGGGCCAAGCAGATGTCTTGAAGTGTCACAGTCTCATTGTCAT[A>G]AGAGGCAGTAATGTTTTCGATGGCTATTTGTAAGTCAAGAACCTGAAAGAAGATTTTAAA-3'
Protein context (NP_000262.2, residues 447-467): QIAIENITAS[Tyr457His]DNETVTLQDI

ClinVar aggregate classification (germline): Uncertain significance (1 of 4 stars; one submission).

Conditions:
NPC1-related disorder. Also called: NPC1-related condition.

Submission:

PreventionGenetics, part of Exact Sciences
Classification: Uncertain significance for NPC1-related condition. Last evaluated: 2025-12-10. Review status: criteria provided, single submitter. Criteria: ACMG Guidelines, 2015. Collection method: clinical testing. Allele origin: germline.
Comment: The NPC1 c.1369T>C variant is predicted to result in the amino acid substitution p.Tyr457His. To our knowledge, this variant has not been reported in the literature or in a large population database (gnomAD), indicating this variant is rare. At this time, the clinical significance of this variant is uncertain due to the absence of conclusive functional and genetic evidence.